The following is an entry in ClinVar:

ClinVar aggregate classification (germline): Pathogenic (1 of 4 stars; one submission).

Conditions:
Glycogen storage disease type III (GSD3). Also called: FORBES DISEASE; Cori disease. Identifiers: Orphanet 366, MedGen C0017922, MONDO:0009291, OMIM 232400.

Submission:

Labcorp Genetics (formerly Invitae), Labcorp
Classification: Pathogenic for Glycogen storage disease type III. Last evaluated: 2023-08-25. Review status: criteria provided, single submitter. Criteria: Invitae Variant Classification Sherloc (09022015). Collection method: clinical testing. Allele origin: unknown.
Comment: For these reasons, this variant has been classified as Pathogenic. This variant has not been reported in the literature in individuals affected with AGL-related conditions. This variant is a gross deletion of the genomic region encompassing exon(s) 4 of the AGL gene. This deletion is out-of-frame, and is expected to create a premature termination codon and result in an absent or disrupted protein product. Loss-of-function variants in AGL are known to be pathogenic (PMID: 19299494).

Literature cited by the submitters: PubMed 19299494.

NC_000001.10:g.(?_100327793)_(100327999_?)del

Gene: AGL (amylo-alpha-1,6-glucosidase and 4-alpha-glucanotransferase; plus strand). Cytogenetic location: 1p21.2.
Variant type: Deletion.
Identifiers: ClinVar variation 3247632 (VCV003247632.1).